The following is an entry in ClinVar:

ClinVar aggregate classification (germline): Uncertain significance (1 of 4 stars; one submission).

Allele frequency attached by ClinVar (database versions not stated): TOPMed below 0.00001.
gnomAD v4.1: 2 of 1,597,180 alleles (0.00013%); highest among the groups gnomAD compares: Non-Finnish European, 0.00017%; no homozygotes.

Submission:

Labcorp Genetics (formerly Invitae), Labcorp
Classification: Uncertain significance. Last evaluated: 2024-12-16. Review status: criteria provided, single submitter. Criteria: Invitae Variant Classification Sherloc (09022015). Collection method: clinical testing. Allele origin: germline.
Comment: This sequence change replaces valine, which is neutral and non-polar, with leucine, which is neutral and non-polar, at codon 41 of the RPIA protein (p.Val41Leu). This variant is not present in population databases (gnomAD no frequency). This variant has not been reported in the literature in individuals affected with RPIA-related conditions. ClinVar contains an entry for this variant (Variation ID: 1911125). An algorithm developed to predict the effect of missense changes on protein structure and function (PolyPhen-2) suggests that this variant is likely to be disruptive. In summary, the available evidence is currently insufficient to determine the role of this variant in disease. Therefore, it has been classified as a Variant of Uncertain Significance.

NM_144563.3(RPIA):c.121G>T (p.Val41Leu)

Genes: RPIA (ribose 5-phosphate isomerase A; plus strand), LOC129934277 (ATAC-STARR-seq lymphoblastoid silent region 11733; plus strand). Cytogenetic location: 2p11.2.
Variant type: single nucleotide variant.
Coding change: c.121G>T on transcript NM_144563.3 (MANE Select); coding-DNA position 121, G replaced by T.
Protein change: p.Val41Leu; replaces valine 41 with leucine.
Molecular consequence: missense variant.
Genome position (GRCh38, 1-based): chr2:88,691,819, G>T. VCF-style: chr2-88691819-G-T. GRCh37 (hg19) VCF-style: chr2-88991337-G-T.
Other names: short protein forms V41L.
Identifiers: ClinVar variation 1911125 (VCV001911125.5), dbSNP rs1676937388, ClinGen allele CA347764030.
Genomic context (GRCh38, chr2:88,691,819, plus strand): 5'-AGGGCCGGGGGCGCGGCCTCCGGCGGAGGAGGGAACAGCTGGGACCTCCCGGGTTCCCAC[G>T]TGCGGCTGCCGGGGCGTGCACAGTCTGGGACCCGTGGCGGTGCTGGCAACACAAGCACCA-3'
Protein context (NP_653164.2, residues 31-51): GNSWDLPGSH[Val41Leu]RLPGRAQSGT